The following is an entry in ClinVar:

ClinVar aggregate classification (germline): Uncertain significance (1 of 4 stars; one submission).

Conditions:
Developmental and epileptic encephalopathy, 15 (DEE15). Also called: Early infantile epileptic encephalopathy 15. Identifiers: Orphanet 3451, MedGen C3554316, MONDO:0014003, OMIM 615006.

gnomAD v4.1: 1 of 1,614,112 alleles (0.000062%); highest among the groups gnomAD compares: South Asian, 0.0011%; no homozygotes.

Submission:

3billion
Classification: Uncertain significance for Developmental and epileptic encephalopathy, 15. Last evaluated: 2024-08-13. Review status: criteria provided, single submitter. Criteria: ACMG Guidelines, 2015. Collection method: clinical testing. Allele origin: germline. Affected: yes.
Comment: The variant is observed at an extremely low frequency in the gnomAD v4.0.0 dataset (total allele frequency: <0.001%). Predicted Consequence/Location: The majority of the known disease-causing variants of this gene are variants expected to result in premature termination of the protein. In silico tool predictions suggest damaging effect of the variant on gene or gene product [REVEL: 0.64 (>=0.6, sensitivity 0.68 and specificity 0.92); 3Cnet: 0.03 (>=0.6, sensitivity 0.72 and precision 0.9)]. Therefore, this variant is classified as VUS according to the recommendation of ACMG/AMP guideline.

NM_006279.5(ST3GAL3):c.614T>C (p.Leu205Pro)

Gene: ST3GAL3 (ST3 beta-galactoside alpha-2,3-sialyltransferase 3; plus strand). Cytogenetic location: 1p34.1.
Variant type: single nucleotide variant.
Coding change: c.614T>C on transcript NM_006279.5 (MANE Select); coding-DNA position 614, T replaced by C.
Protein change: p.Leu205Pro; replaces leucine 205 with proline.
Molecular consequence: missense variant. On other transcripts: non-coding transcript variant (5), intron variant (7).
Genome position (GRCh38, 1-based): chr1:43,899,597, T>C. VCF-style: chr1-43899597-T-C. GRCh37 (hg19) VCF-style: chr1-44365269-T-C.
Other names: c.614T>C, p.Leu205Pro (NM_001270459.2, NM_001350620.2, NM_174966.4); c.521T>C, p.Leu174Pro (NM_001270460.2); c.566T>C, p.Leu189Pro (NM_001270461.3, NM_001410781.1, NM_174969.4); c.473T>C, p.Leu158Pro (NM_001270462.3); c.659T>C, p.Leu220Pro (NM_001350619.2, NM_174964.4); c.335T>C, p.Leu112Pro (NM_001350621.2); c.776T>C, p.Leu259Pro (NM_001363573.2, NM_174968.5); c.821T>C, p.Leu274Pro (NM_174963.5); and 8 more; short protein forms L112P, L158P, L174P, L189P, L205P, L220P, L243P, L259P.
Identifiers: ClinVar variation 4291731 (VCV004291731.1).